The following is an entry in ClinVar:

NM_006440.5(TXNRD2):c.1420A>G (p.Thr474Ala)

Gene: TXNRD2 (thioredoxin reductase 2; minus strand). Cytogenetic location: 22q11.21.
Variant type: single nucleotide variant.
Coding change: c.1420A>G on transcript NM_006440.5 (MANE Select); coding-DNA position 1420, A replaced by G.
Protein change: p.Thr474Ala; replaces threonine 474 with alanine.
Molecular consequence: missense variant. On other transcripts: non-coding transcript variant (1).
Genome position (GRCh38, 1-based): chr22:19,878,115, T>C on the plus strand (A>G on the coding strand, the complement: TXNRD2 is on the minus strand). VCF-style: chr22-19878115-T-C. GRCh37 (hg19) VCF-style: chr22-19865638-T-C.
Other names: c.1417A>G, p.Thr473Ala (NM_001352300.2); c.1330A>G, p.Thr444Ala (NM_001352301.2); c.1132A>G, p.Thr378Ala (NM_001352302.2); short protein forms T378A, T444A, T473A, T474A.
Identifiers: ClinVar variation 2143023 (VCV002143023.7), dbSNP rs553844427, ClinGen allele CA10103659.

ClinVar aggregate classification (germline): Uncertain significance. Review status: criteria provided, multiple submitters, no conflicts (2 of 4 stars). 2 submissions from 2 submitters: Uncertain significance (2). Last evaluated 2025-05-24.

Conditions:
Cardiovascular phenotype. Identifiers: MedGen CN230736.
Primary dilated cardiomyopathy (DCM). Also called: Dilated Cardiomyopathy. Identifiers: Orphanet 217604, MedGen C0007193, MeSH D002311, MONDO:0005021, HP:0001644. Inheritance: Various modes of inheritance.

Allele frequency attached by ClinVar (database versions not stated): ExAC 0.00003; TOPMed 0.00003; gnomAD 0.00004; 1000 Genomes Project 30x 0.00016; 1000 Genomes Project 0.00020.
gnomAD v4.1: 7 of 1,613,490 alleles (0.00043%); highest among the groups gnomAD compares: African/African-American, 0.0093%; no homozygotes.

Submissions (2):

Ambry Genetics
Classification: Uncertain significance for Cardiovascular phenotype. Last evaluated: 2025-05-24. Review status: criteria provided, single submitter. Criteria: Ambry Variant Classification Scheme 2023. Collection method: clinical testing. Allele origin: germline.
Comment: The p.T474A variant (also known as c.1420A>G), located in coding exon 16 of the TXNRD2 gene, results from an A to G substitution at nucleotide position 1420. The threonine at codon 474 is replaced by alanine, an amino acid with similar properties. This amino acid position is conserved. In addition, the in silico prediction for this alteration is inconclusive. Since supporting evidence is limited at this time, the clinical significance of this alteration remains unclear.

Labcorp Genetics (formerly Invitae), Labcorp
Classification: Uncertain significance for Primary dilated cardiomyopathy. Last evaluated: 2025-02-18. Review status: criteria provided, single submitter. Criteria: Invitae Variant Classification Sherloc (09022015). Collection method: clinical testing. Allele origin: germline.
Comment: This sequence change replaces threonine, which is neutral and polar, with alanine, which is neutral and non-polar, at codon 474 of the TXNRD2 protein (p.Thr474Ala). The frequency data for this variant in the population databases is considered unreliable, as metrics indicate poor data quality at this position in the gnomAD database. This variant has not been reported in the literature in individuals affected with TXNRD2-related conditions. ClinVar contains an entry for this variant (Variation ID: 2143023). Invitae Evidence Modeling of protein sequence and biophysical properties (such as structural, functional, and spatial information, amino acid conservation, physicochemical variation, residue mobility, and thermodynamic stability) indicates that this missense variant is not expected to disrupt TXNRD2 protein function with a negative predictive value of 80%. In summary, the available evidence is currently insufficient to determine the role of this variant in disease. Therefore, it has been classified as a Variant of Uncertain Significance.